The following is an entry in ClinVar:

NM_007118.4(TRIO):c.3949-6G>A

Gene: TRIO (trio Rho guanine nucleotide exchange factor; plus strand). Cytogenetic location: 5p15.2.
Variant type: single nucleotide variant.
Coding change: c.3949-6G>A on transcript NM_007118.4 (MANE Select); 6 bases into the intron before coding-DNA position 3949, G replaced by A.
Molecular consequence: intron variant.
Genome position (GRCh38, 1-based): chr5:14,389,283, G>A. VCF-style: chr5-14389283-G-A. GRCh37 (hg19) VCF-style: chr5-14389392-G-A.
Identifiers: ClinVar variation 2840317 (VCV002840317.4), dbSNP rs2532873987, ClinGen allele CA2578272106.

ClinVar aggregate classification (germline): Uncertain significance. Review status: criteria provided, multiple submitters, no conflicts (2 of 4 stars). 2 submissions from 2 submitters: Uncertain significance (2). Last evaluated 2024-04-17.

Submissions (2):

GeneDx
Classification: Uncertain significance. Last evaluated: 2024-04-17. Review status: criteria provided, single submitter. Criteria: GeneDx Variant Classification Process June 2021. Collection method: clinical testing. Allele origin: germline. Affected: yes.
Comment: Not observed at significant frequency in large population cohorts (gnomAD); In silico analysis supports a deleterious effect on splicing; Has not been previously published as pathogenic or benign to our knowledge

Labcorp Genetics (formerly Invitae), Labcorp
Classification: Uncertain significance. Last evaluated: 2023-02-24. Review status: criteria provided, single submitter. Criteria: Invitae Variant Classification Sherloc (09022015). Collection method: clinical testing. Allele origin: germline.
Comment: In summary, the available evidence is currently insufficient to determine the role of this variant in disease. Therefore, it has been classified as a Variant of Uncertain Significance. Algorithms developed to predict the effect of sequence changes on RNA splicing suggest that this variant may disrupt the consensus splice site. This variant has not been reported in the literature in individuals affected with TRIO-related conditions. This variant is not present in population databases (gnomAD no frequency). This sequence change falls in intron 24 of the TRIO gene. It does not directly change the encoded amino acid sequence of the TRIO protein.